The following is an entry in ClinVar:

NM_003470.3(USP7):c.248A>C (p.Glu83Ala)

Gene: USP7 (ubiquitin specific peptidase 7; minus strand). Cytogenetic location: 16p13.2.
Variant type: single nucleotide variant.
Coding change: c.248A>C on transcript NM_003470.3 (MANE Select); coding-DNA position 248, A replaced by C.
Protein change: p.Glu83Ala; replaces glutamic acid 83 with alanine.
Molecular consequence: missense variant. On other transcripts: 5 prime UTR variant (1), non-coding transcript variant (1).
Genome position (GRCh38, 1-based): chr16:8,923,350, T>G on the plus strand (A>C on the coding strand, the complement: USP7 is on the minus strand). VCF-style: chr16-8923350-T-G. GRCh37 (hg19) VCF-style: chr16-9017207-T-G.
Other names: c.200A>C, p.Glu67Ala (NM_001286457.2); c.-50A>C (NM_001286458.2); c.74A>C, p.Glu25Ala (NM_001321858.2); short protein forms E25A, E67A, E83A.
Identifiers: ClinVar variation 4856900 (VCV004856900.2).

ClinVar aggregate classification (germline): Uncertain significance (1 of 4 stars; one submission).

Submission:

Dasa
Classification: Uncertain significance. Last evaluated: 2026-03-31. Review status: criteria provided, single submitter. Criteria: DASA Assertion Criteria. Collection method: clinical testing. Allele origin: germline.
Comment: NM_003470.3(USP7):c.248A>C (p.Glu83Ala) is a missense variant that results in the substitution of glutamic acid with alanine. This variant is rare in population databases. The currently available literature and clinical evidence are not sufficient to establish a definitive association between this variant and the reported condition. Therefore, this variant is classified as a variant of uncertain significance.